The following is an entry in ClinVar:

ClinVar aggregate classification (germline): Pathogenic/Likely pathogenic. Review status: criteria provided, multiple submitters, no conflicts (2 of 4 stars). 3 submissions from 3 submitters: Pathogenic (2); Likely pathogenic (1). Last evaluated 2025-11-09.

Conditions:
LZTR1-related schwannomatosis. Also called: Schwannomatosis 2; Schwannomatosis-2, susceptibility to. Identifiers: Orphanet 93921, MedGen C3810283, MONDO:0014299, OMIM 615670.
Cardiovascular phenotype. Identifiers: MedGen CN230736.
Hereditary cancer-predisposing syndrome. Also called: Neoplastic Syndromes, Hereditary; Hereditary Cancer Syndrome; Hereditary neoplastic syndrome; Tumor predisposition. Identifiers: Orphanet 140162, MedGen C0027672, MeSH D009386, MONDO:0015356.

Allele frequency attached by ClinVar (database versions not stated): gnomAD exomes below 0.00001 and 0.00001; ExAC 0.00001.

Submissions (3):

Labcorp Genetics (formerly Invitae), Labcorp
Classification: Pathogenic. Last evaluated: 2025-11-09. Review status: criteria provided, single submitter. Criteria: Invitae Variant Classification Sherloc (09022015). Collection method: clinical testing. Allele origin: germline.
Comment: This sequence change creates a premature translational stop signal (p.Glu39*) in the LZTR1 gene. It is expected to result in an absent or disrupted protein product. Loss-of-function variants in LZTR1 are known to be pathogenic (PMID: 24362817, 25335493, 25480913, 25795793, 29469822, 30368668, 30442762, 30442766, 30481304, 30859559). The frequency data for this variant in the population databases is considered unreliable, as metrics indicate poor data quality at this position in the gnomAD database. This variant has not been reported in the literature in individuals affected with LZTR1-related conditions. ClinVar contains an entry for this variant (Variation ID: 1459953). For these reasons, this variant has been classified as Pathogenic.

Ambry Genetics
Classification: Pathogenic for Cardiovascular phenotype; Hereditary cancer-predisposing syndrome. Last evaluated: 2025-08-08. Review status: criteria provided, single submitter. Criteria: Ambry Variant Classification Scheme 2023. Collection method: clinical testing. Allele origin: germline.
Comment: The p.E39* pathogenic mutation (also known as c.115G>T), located in coding exon 1 of the LZTR1 gene, results from a G to T substitution at nucleotide position 115. This changes the amino acid from a glutamic acid to a stop codon within coding exon 1. This alteration is expected to result in loss of function by premature protein truncation or nonsense-mediated mRNA decay. Loss-of-function variants in LZTR1 are related to an increased risk for schwannomas and autosomal recessive Noonan syndrome; however, such associations with autosomal dominant Noonan syndrome have not been observed (Piotrowski A et al. Nat Genet. 2014 Feb;46:182-7; Yamamoto GL et al. J Med Genet. 2015 Jun;52:413-21; Johnston JJ et al. Genet Med. 2018 10;20:1175-1185). Based on the supporting evidence, this variant is pathogenic for an increased risk of LZTR1-related schwannomatosis (SWN) and would be expected to cause autosomal recessive Noonan syndrome when present along with a second pathogenic or likely pathogenic variant on the other allele; however, the association of this alteration with autosomal dominant Noonan syndrome is unlikely.

MGZ Medical Genetics Center
Classification: Likely pathogenic for LZTR1-related schwannomatosis. Last evaluated: 2021-12-22. Review status: criteria provided, single submitter. Criteria: ACMG Guidelines, 2015. Collection method: clinical testing. Allele origin: germline. Affected: yes. Observed: 1 variant allele.
Comment: ACMG criteria applied: PVS1, PM2_SUP

Literature cited by the submitters: PubMed 24362817 (cited by Labcorp Genetics (formerly Invitae), Labcorp); PubMed 25335493 (cited by Labcorp Genetics (formerly Invitae), Labcorp); PubMed 25480913 (cited by Labcorp Genetics (formerly Invitae), Labcorp); PubMed 25795793 (cited by Labcorp Genetics (formerly Invitae), Labcorp); PubMed 29469822 (cited by Labcorp Genetics (formerly Invitae), Labcorp); PubMed 30368668 (cited by Labcorp Genetics (formerly Invitae), Labcorp); PubMed 30442762 (cited by Labcorp Genetics (formerly Invitae), Labcorp); PubMed 30442766 (cited by Labcorp Genetics (formerly Invitae), Labcorp); PubMed 30481304 (cited by Labcorp Genetics (formerly Invitae), Labcorp); PubMed 30859559 (cited by Labcorp Genetics (formerly Invitae), Labcorp).

NM_006767.4(LZTR1):c.115G>T (p.Glu39Ter)

Genes: LZTR1 (leucine zipper like post translational regulator 1; plus strand), LOC130067016 (ATAC-STARR-seq lymphoblastoid silent region 13504; plus strand). Cytogenetic location: 22q11.21.
Variant type: single nucleotide variant.
Coding change: c.115G>T on transcript NM_006767.4 (MANE Select); coding-DNA position 115, G replaced by T.
Protein change: p.Glu39Ter; replaces glutamic acid 39 with a stop codon.
Molecular consequence: nonsense.
Genome position (GRCh38, 1-based): chr22:20,982,486, G>T. VCF-style: chr22-20982486-G-T. GRCh37 (hg19) VCF-style: chr22-21336775-G-T.
Other names: c.115G>T (NM_006767.3); short protein forms E39*.
Identifiers: ClinVar variation 1459953 (VCV001459953.11), dbSNP rs762434811, ClinGen allele CA10118284.